The following is an entry in ClinVar:

NM_017950.4(CCDC40):c.2251C>A (p.Pro751Thr)

Gene: CCDC40 (coiled-coil domain 40 molecular ruler complex subunit; plus strand). Cytogenetic location: 17q25.3.
Variant type: single nucleotide variant.
Coding change: c.2251C>A on transcript NM_017950.4 (MANE Select); coding-DNA position 2251, C replaced by A.
Protein change: p.Pro751Thr; replaces proline 751 with threonine.
Molecular consequence: missense variant.
Genome position (GRCh38, 1-based): chr17:80,086,018, C>A. VCF-style: chr17-80086018-C-A. GRCh37 (hg19) VCF-style: chr17-78059817-C-A.
Other names: c.2251C>A, p.Pro751Thr (NM_001243342.2); short protein forms P751T.
Identifiers: ClinVar variation 260958 (VCV000260958.33), dbSNP rs141343307, ClinGen allele CA8814156.

ClinVar aggregate classification (germline): Conflicting classifications of pathogenicity. Review status: criteria provided, conflicting classifications (1 of 4 stars). 7 submissions from 7 submitters: Uncertain significance (1); Benign (1); Likely benign (5). Last evaluated 2026-07-01.

Conditions:
Primary ciliary dyskinesia. Also called: Ciliary dyskinesia. Identifiers: Orphanet 244, MedGen C0008780, MONDO:0016575, HP:0012265.
Primary ciliary dyskinesia 15. Also called: CILIARY DYSKINESIA, PRIMARY, 15, WITH OR WITHOUT SITUS INVERSUS. Identifiers: Orphanet 244, MedGen C3151137, MONDO:0013435, OMIM 613808.

Allele frequency attached by ClinVar (database versions not stated): 1000 Genomes Project 0.00060; 1000 Genomes Project 30x 0.00062; ESP Exome Variant Server 0.00159; TOPMed 0.00160; gnomAD 0.00161 and 0.00172; gnomAD exomes 0.00227 and 0.00228; ExAC 0.00232.
gnomAD v4.1: 3,573 of 1,613,934 alleles (0.22%); highest among the groups gnomAD compares: Middle Eastern, 0.5%; 20 homozygotes.

Submissions (7):

CeGaT Center for Human Genetics Tuebingen
Classification: Likely benign. Last evaluated: 2026-07-01. Review status: criteria provided, single submitter. Criteria: CeGaT Center For Human Genetics Tuebingen Variant Classification Criteria Version 2. Collection method: clinical testing. Allele origin: germline. Affected: yes. Observed: 1 variant allele.
Comment: CCDC40: BS2

Labcorp Genetics (formerly Invitae), Labcorp
Classification: Likely benign for Primary ciliary dyskinesia. Last evaluated: 2026-02-03. Review status: criteria provided, single submitter. Criteria: Invitae Variant Classification Sherloc (09022015). Collection method: clinical testing. Allele origin: germline.

Blueprint Genetics
Classification: Likely benign. Last evaluated: 2024-11-25. Review status: criteria provided, single submitter. Criteria: ACMG Guidelines, 2015. Collection method: clinical testing. Allele origin: germline.

Eurofins Ntd Llc (ga)
Classification: Likely benign. Last evaluated: 2018-04-25. Review status: criteria provided, single submitter. Criteria: EGL ClinVar v180209 classification definitions. Collection method: clinical testing. Allele origin: germline. Observed: 3 variant alleles, 3 heterozygotes.

Illumina Laboratory Services, Illumina
Classification: Uncertain significance for Primary ciliary dyskinesia 15. Last evaluated: 2018-01-13. Review status: criteria provided, single submitter. Criteria: ICSL Variant Classification Criteria 13 December 2019. Collection method: clinical testing. Allele origin: germline.

Ambry Genetics
Classification: Benign for Primary ciliary dyskinesia. Last evaluated: 2017-04-20. Review status: criteria provided, single submitter. Criteria: Ambry Variant Classification Scheme 2023. Collection method: clinical testing. Allele origin: germline.

PreventionGenetics, part of Exact Sciences
Classification: Likely benign. Review status: criteria provided, single submitter. Criteria: ACMG Guidelines, 2015. Collection method: clinical testing. Allele origin: germline.